The following is an entry in ClinVar:

NM_014014.5(SNRNP200):c.1119+9T>C

Gene: SNRNP200 (small nuclear ribonucleoprotein U5 subunit 200; minus strand). Cytogenetic location: 2q11.2.
Variant type: single nucleotide variant.
Coding change: c.1119+9T>C on transcript NM_014014.5 (MANE Select); 9 bases into the intron after coding-DNA position 1119, T replaced by C.
Molecular consequence: intron variant.
Genome position (GRCh38, 1-based): chr2:96,298,275, A>G on the plus strand (T>C on the coding strand, the complement: SNRNP200 is on the minus strand). VCF-style: chr2-96298275-A-G. GRCh37 (hg19) VCF-style: chr2-96964013-A-G.
Other names: c.1119+9T>C (NM_014014.4).
Identifiers: ClinVar variation 2971140 (VCV002971140.4), dbSNP rs2467351149, ClinGen allele CA2740095674.

ClinVar aggregate classification (germline): Uncertain significance. Review status: criteria provided, multiple submitters, no conflicts (2 of 4 stars). 2 submissions from 2 submitters: Uncertain significance (2). Last evaluated 2024-12-19.

Conditions:
SNRNP200-related disorder. Also called: SNRNP200-related condition.

Submissions (2):

PreventionGenetics, part of Exact Sciences
Classification: Uncertain significance for SNRNP200-related condition. Last evaluated: 2024-12-19. Review status: criteria provided, single submitter. Criteria: ACMG Guidelines, 2015. Collection method: clinical testing. Allele origin: germline.
Comment: The SNRNP200 c.1119+9T>C variant is predicted to interfere with splicing. To our knowledge, this variant has not been reported in the literature or in a large population database (gnomAD), indicating this variant is rare. This variant is predicted to alter splicing based on available splicing prediction programs (SpliceAI, Jaganathan et al. 2019. PubMed ID: 30661751). However, the use of computer prediction programs is not equivalent to functional evidence. At this time, the clinical significance of this variant is uncertain due to the absence of conclusive functional and genetic evidence.

Labcorp Genetics (formerly Invitae), Labcorp
Classification: Uncertain significance. Last evaluated: 2023-05-21. Review status: criteria provided, single submitter. Criteria: Invitae Variant Classification Sherloc (09022015). Collection method: clinical testing. Allele origin: germline.
Comment: In summary, the available evidence is currently insufficient to determine the role of this variant in disease. Therefore, it has been classified as a Variant of Uncertain Significance. Algorithms developed to predict the effect of sequence changes on RNA splicing suggest that this variant may create or strengthen a splice site. This variant has not been reported in the literature in individuals affected with SNRNP200-related conditions. This variant is not present in population databases (gnomAD no frequency). This sequence change falls in intron 9 of the SNRNP200 gene. It does not directly change the encoded amino acid sequence of the SNRNP200 protein.